The following is an entry in ClinVar:

ClinVar aggregate classification (germline): Likely benign. Review status: criteria provided, multiple submitters, no conflicts (2 of 4 stars). 4 submissions from 4 submitters: Likely benign (4). Last evaluated 2025-09-23.

Conditions:
Cardiovascular phenotype. Identifiers: MedGen CN230736.
Hypertrophic cardiomyopathy. Also called: HYPERTROPHIC MYOCARDIOPATHY. Identifiers: Orphanet 217569, MedGen C0007194, MeSH D002312, MONDO:0005045, HP:0001639.
Cardiomyopathy (CMYO). Also called: Cardiomyopathies. Identifiers: Orphanet 167848, MedGen C0878544, MONDO:0004994, HP:0001638. Inheritance: Various modes of inheritance.

Allele frequency attached by ClinVar (database versions not stated): TOPMed below 0.00001; ExAC 0.00002; gnomAD exomes below 0.00001 and 0.00001.
gnomAD v4.1: 3 of 1,614,152 alleles (0.00019%); highest among the groups gnomAD compares: African/African-American, 0.0013%; no homozygotes.

Submissions (4):

Labcorp Genetics (formerly Invitae), Labcorp
Classification: Likely benign for Hypertrophic cardiomyopathy. Last evaluated: 2025-09-23. Review status: criteria provided, single submitter. Criteria: Invitae Variant Classification Sherloc (09022015). Collection method: clinical testing. Allele origin: germline.

Ambry Genetics
Classification: Likely benign for Cardiovascular phenotype. Last evaluated: 2025-03-04. Review status: criteria provided, single submitter. Criteria: Ambry Variant Classification Scheme 2023. Collection method: clinical testing. Allele origin: germline.

All of Us Research Program, National Institutes of Health
Classification: Likely benign for Hypertrophic cardiomyopathy. Last evaluated: 2024-08-13. Review status: criteria provided, single submitter. Criteria: ACMG Guidelines, 2015. Collection method: clinical testing. Allele origin: germline. Inheritance: Autosomal dominant inheritance. Observed: 1 variant allele, 1 heterozygote.
Comment: This study involves interpretation of variants in research participants for the purpose of population health screening. Participant phenotype was not available at the time of variant classification. Additional details can be found in publication PMID: 35346344, PMCID: PMC8962531

Color Diagnostics, LLC DBA Color Health
Classification: Likely benign for Cardiomyopathy. Last evaluated: 2022-05-27. Review status: criteria provided, single submitter. Criteria: ACMG Guidelines, 2015. Collection method: clinical testing. Allele origin: germline.

NM_000258.3(MYL3):c.198G>A (p.Lys66=)

Gene: MYL3 (myosin light chain 3; minus strand). Cytogenetic location: 3p21.31.
Variant type: single nucleotide variant.
Coding change: c.198G>A on transcript NM_000258.3 (MANE Select); coding-DNA position 198, G replaced by A.
Protein change: p.Lys66=; no amino-acid change (lysine 66 retained).
Molecular consequence: synonymous variant.
Genome position (GRCh38, 1-based): chr3:46,860,785, C>T on the plus strand (G>A on the coding strand, the complement: MYL3 is on the minus strand). VCF-style: chr3-46860785-C-T. GRCh37 (hg19) VCF-style: chr3-46902275-C-T.
Identifiers: ClinVar variation 758386 (VCV000758386.10), dbSNP rs781357657, ClinGen allele CA043061.
Genomic context (GRCh38, chr3:46,860,785, plus strand): 5'-GTTCTGGCCCAGCGCCCGCAGGACATCCCCACACTGCCCGTAGGTGATCTTCATCTCACA[C>T]TTGGGTGTGCGGTCGAACAGCATGAAGGCTTCCTTGAACTCTGCCAGGAGAGGGCAGTGA-3'
Protein context (NP_000249.1, residues 56-76): EAFMLFDRTP[Lys66=]CEMKITYGQC